The following is an entry in ClinVar:

ClinVar aggregate classification (germline): Uncertain significance (1 of 4 stars; one submission).

Conditions:
5-Oxoprolinase deficiency (OPLAHD). Also called: 5-OXOPROLINURIA DUE TO 5-OXOPROLINASE DEFICIENCY. Identifiers: Orphanet 33572, MedGen C0268525, MONDO:0009825, OMIM 260005, HP:0040142.

gnomAD v4.1: 2 of 1,537,134 alleles (0.00013%); highest among the groups gnomAD compares: Non-Finnish European, 0.00017%; no homozygotes.

Submission:

Labcorp Genetics (formerly Invitae), Labcorp
Classification: Uncertain significance for 5-Oxoprolinase deficiency. Last evaluated: 2022-05-29. Review status: criteria provided, single submitter. Criteria: Invitae Variant Classification Sherloc (09022015). Collection method: clinical testing. Allele origin: germline.
Comment: In summary, the available evidence is currently insufficient to determine the role of this variant in disease. Therefore, it has been classified as a Variant of Uncertain Significance. Experimental studies and prediction algorithms are not available or were not evaluated, and the functional significance of this variant is currently unknown. This variant has not been reported in the literature in individuals affected with OPLAH-related conditions. This variant is not present in population databases (gnomAD no frequency). This sequence change replaces alanine, which is neutral and non-polar, with glutamic acid, which is acidic and polar, at codon 1121 of the OPLAH protein (p.Ala1121Glu).

NM_017570.5(OPLAH):c.3362C>A (p.Ala1121Glu)

Gene: OPLAH (5-oxoprolinase, ATP-hydrolysing; minus strand). Cytogenetic location: 8q24.3.
Variant type: single nucleotide variant.
Coding change: c.3362C>A on transcript NM_017570.5 (MANE Select); coding-DNA position 3362, C replaced by A.
Protein change: p.Ala1121Glu; replaces alanine 1121 with glutamic acid.
Molecular consequence: missense variant.
Genome position (GRCh38, 1-based): chr8:144,052,268, G>T on the plus strand (C>A on the coding strand, the complement: OPLAH is on the minus strand). VCF-style: chr8-144052268-G-T. GRCh37 (hg19) VCF-style: chr8-145107171-G-T.
Other names: short protein forms A1121E.
Identifiers: ClinVar variation 2000802 (VCV002000802.4), dbSNP rs782287046, ClinGen allele CA4931153.